The following is an entry in ClinVar:

ClinVar aggregate classification (germline): Uncertain significance (1 of 4 stars; one submission).

Conditions:
FIG4-related disorder. Also called: FIG4-related disorders; FIG4-related condition.

Submission:

PreventionGenetics, part of Exact Sciences
Classification: Uncertain significance for FIG4-related condition. Last evaluated: 2025-02-02. Review status: criteria provided, single submitter. Criteria: ACMG Guidelines, 2015. Collection method: clinical testing. Allele origin: germline.
Comment: The FIG4 c.2375A>T variant is predicted to result in the amino acid substitution p.Glu792Val. To our knowledge, this variant has not been reported in the literature or in a large population database (gnomAD), indicating this variant is rare. At this time, the clinical significance of this variant is uncertain due to the absence of conclusive functional and genetic evidence.

NM_014845.6(FIG4):c.2375A>T (p.Glu792Val)

Gene: FIG4 (FIG4 phosphoinositide 5-phosphatase; plus strand). Cytogenetic location: 6q21.
Variant type: single nucleotide variant.
Coding change: c.2375A>T on transcript NM_014845.6 (MANE Select); coding-DNA position 2375, A replaced by T.
Protein change: p.Glu792Val; replaces glutamic acid 792 with valine.
Molecular consequence: missense variant.
Genome position (GRCh38, 1-based): chr6:109,791,570, A>T. VCF-style: chr6-109791570-A-T. GRCh37 (hg19) VCF-style: chr6-110112773-A-T.
Other names: short protein forms E792V.
Identifiers: ClinVar variation 5001512 (VCV005001512.1).